The following is an entry in ClinVar:

ClinVar aggregate classification (germline): Pathogenic (1 of 4 stars; one submission).

Submission:

GeneDx
Classification: Pathogenic. Last evaluated: 2025-06-18. Review status: criteria provided, single submitter. Criteria: GeneDx Variant Classification Process June 2021. Collection method: clinical testing. Allele origin: germline. Affected: yes.
Comment: Reported in a patient with Lesch-Nyhan disease in published literature (PMID: 16549399); Canonical splice site variant predicted to result in a null allele in a gene for which loss of function is a known mechanism of disease; Not observed at significant frequency in large population cohorts (gnomAD); This variant is associated with the following publications: (PMID: 22132984, 16549399)

NM_000194.3(HPRT1):c.609+1G>A

Gene: HPRT1 (hypoxanthine phosphoribosyltransferase 1; plus strand). Cytogenetic location: Xq26.2.
Variant type: single nucleotide variant.
Coding change: c.609+1G>A on transcript NM_000194.3 (MANE Select); the canonical splice donor site of the intron after coding-DNA position 609, G replaced by A.
Molecular consequence: splice donor variant.
Genome position (GRCh38, 1-based): chrX:134,498,685, G>A. VCF-style: chrX-134498685-G-A. GRCh37 (hg19) VCF-style: chrX-133632715-G-A.
Identifiers: ClinVar variation 4538899 (VCV004538899.1).
Genomic context (GRCh38, chrX:134,498,685, plus strand): 5'-CCAGACAAGTTTGTTGTAGGATATGCCCTTGACTATAATGAATACTTCAGGGATTTGAAT[G>A]TAAGTAATTGCTTCTTTTTCTCACTCATTTTTCAAAACACGCATAAAAATTTAGGAAAGA-3'